The following is an entry in ClinVar:

ClinVar aggregate classification (germline): Pathogenic (1 of 4 stars; one submission).

Conditions:
Ataxia-telangiectasia syndrome (AT). Also called: LOUIS-BAR SYNDROME; Cerebello-oculocutaneous telangiectasia; Immunodeficiency with ataxia telangiectasia; ATAXIA-TELANGIECTASIA, COMPLEMENTATION GROUP A; ATAXIA-TELANGIECTASIA, FRESNO VARIANT; Ataxia-telangiectasia, complementation group D. Identifiers: Orphanet 100, MedGen C0004135, MONDO:0008840, OMIM 208900.

Submission:

Labcorp Genetics (formerly Invitae), Labcorp
Classification: Pathogenic for Ataxia-telangiectasia syndrome. Last evaluated: 2024-06-13. Review status: criteria provided, single submitter. Criteria: Invitae Variant Classification Sherloc (09022015). Collection method: clinical testing. Allele origin: germline.
Comment: This sequence change creates a premature translational stop signal (p.His1518Leufs*25) in the ATM gene. It is expected to result in an absent or disrupted protein product. Loss-of-function variants in ATM are known to be pathogenic (PMID: 23807571, 25614872). This variant is not present in population databases (gnomAD no frequency). This variant has not been reported in the literature in individuals affected with ATM-related conditions. Studies have shown that this premature translational stop signal is associated with inconclusive levels of altered splicing (Invitae). For these reasons, this variant has been classified as Pathogenic.

Literature cited by the submitters: PubMed 23807571; PubMed 25614872.

NM_000051.4(ATM):c.4553del (p.His1518fs)

Gene: ATM (ATM serine/threonine kinase; plus strand). Cytogenetic location: 11q22.3.
Variant type: Deletion.
Coding change: c.4553del on transcript NM_000051.4 (MANE Select); coding-DNA position 4553, one base deleted (A; older notation c.4553delA).
Protein change: p.His1518fs; shifts the reading frame from histidine 1518.
Molecular consequence: frameshift variant.
Genome position (GRCh38, 1-based): chr11:108,292,735, A deleted. VCF-style (leftmost placement, unchanged base first): chr11-108292734-CA-C. GRCh37 (hg19) VCF-style: chr11-108163461-CA-C.
Other names: c.4553del, p.His1518fs (NM_001351834.2); short protein forms H1518fs.
Identifiers: ClinVar variation 3656644 (VCV003656644.2).
Genomic context (GRCh38, chr11:108,292,734, plus strand): 5'-TTAAGTCAGGTTTGCCAGACAGCCGTGACTTACTGTAAGGATGCTCTAGAAAACCATCTT[CA>C]TGTTATTGTTGGTACACTTATACCCCTTGTGTATGAGCAGGTGGAGGTTCAGAAACAGGT-3'